The following is an entry in ClinVar:

NM_004006.3(DMD):c.1601A>C (p.Lys534Thr)

Gene: DMD (dystrophin; minus strand). Cytogenetic location: Xp21.1.
Variant type: single nucleotide variant.
Coding change: c.1601A>C on transcript NM_004006.3 (MANE Select); coding-DNA position 1601, A replaced by C.
Protein change: p.Lys534Thr; replaces lysine 534 with threonine.
Molecular consequence: missense variant.
Genome position (GRCh38, 1-based): chrX:32,595,758, T>G on the plus strand (A>C on the coding strand, the complement: DMD is on the minus strand). VCF-style: chrX-32595758-T-G. GRCh37 (hg19) VCF-style: chrX-32613875-T-G.
Other names: c.1577A>C, p.Lys526Thr (NM_000109.4); c.1589A>C, p.Lys530Thr (NM_004009.3); c.1232A>C, p.Lys411Thr (NM_004010.3); short protein forms K530T, K411T, K534T, K526T.
Identifiers: ClinVar variation 1517738 (VCV001517738.6), dbSNP rs760874706, ClinGen allele CA412665256.
Genomic context (GRCh38, chrX:32,595,758, plus strand): 5'-TTTTCAAGTTATAGTTCTTTTAAAGGACATATTTAGTTTACTAAGCAAAATAATCTGACC[T>G]TAAGTTGTTCTTCCAAAGCAGCAGTTGCGTGATCTCCACTAGATTCATCAACTACCACCA-3'
Protein context (NP_003997.2, residues 524-544): HATAALEEQL[Lys534Thr]VLGDRWANIC

ClinVar aggregate classification (germline): Uncertain significance (1 of 4 stars; one submission).

Conditions:
Duchenne muscular dystrophy (DMD). Also called: MUSCULAR DYSTROPHY, PSEUDOHYPERTROPHIC PROGRESSIVE, DUCHENNE TYPE; Duchenne Muscular Dystrophy (DMD). Identifiers: Orphanet 98896, MedGen C0013264, MONDO:0010679, OMIM 310200.

Submission:

Labcorp Genetics (formerly Invitae), Labcorp
Classification: Uncertain significance for Duchenne muscular dystrophy. Last evaluated: 2021-09-06. Review status: criteria provided, single submitter. Criteria: Invitae Variant Classification Sherloc (09022015). Collection method: clinical testing. Allele origin: germline.
Comment: Algorithms developed to predict the effect of sequence changes on RNA splicing suggest that this variant may disrupt the consensus splice site. In summary, the available evidence is currently insufficient to determine the role of this variant in disease. Therefore, it has been classified as a Variant of Uncertain Significance. Algorithms developed to predict the effect of missense changes on protein structure and function are either unavailable or do not agree on the potential impact of this missense change (SIFT: "Tolerated"; PolyPhen-2: "Possibly Damaging"; Align-GVGD: "Class C0"). This variant has not been reported in the literature in individuals affected with DMD-related conditions. This variant is not present in population databases (ExAC no frequency). This sequence change replaces lysine with threonine at codon 534 of the DMD protein (p.Lys534Thr). The lysine residue is moderately conserved and there is a moderate physicochemical difference between lysine and threonine.